The following is an entry in ClinVar:

ClinVar aggregate classification (germline): Uncertain significance. Review status: criteria provided, multiple submitters, no conflicts (2 of 4 stars). 2 submissions from 2 submitters: Uncertain significance (2). Last evaluated 2026-06-29.

Conditions:
Alagille syndrome due to a NOTCH2 point mutation. Also called: Alagille syndrome 2. Identifiers: Orphanet 261629, Orphanet 52, MedGen C1857761, MONDO:0012439, OMIM 610205.
Hajdu-Cheney syndrome (HJCYS). Also called: ACROOSTEOLYSIS WITH OSTEOPOROSIS AND CHANGES IN SKULL AND MANDIBLE; Acroosteolysis dominant type; SERPENTINE FIBULA-POLYCYSTIC KIDNEY SYNDROME. Identifiers: Orphanet 955, MedGen C0917715, MONDO:0007057, OMIM 102500.
NOTCH2-related disorder. Also called: NOTCH2-related condition.

Submissions (2):

PreventionGenetics, part of Exact Sciences
Classification: Uncertain significance for NOTCH2-related condition. Last evaluated: 2026-06-29. Review status: criteria provided, single submitter. Criteria: ACMG Guidelines, 2015. Collection method: clinical testing. Allele origin: germline.
Comment: The NOTCH2 c.5925C>G variant is predicted to result in the amino acid substitution p.Asp1975Glu. To our knowledge, this variant has not been reported in the literature or in a large population database (gnomAD), indicating this variant is rare. At this time, the clinical significance of this variant is uncertain due to the absence of conclusive functional and genetic evidence.

Fulgent Genetics
Classification: Uncertain significance for Hajdu-Cheney syndrome; Alagille syndrome due to a NOTCH2 point mutation. Last evaluated: 2024-05-24. Review status: criteria provided, single submitter. Criteria: ACMG Guidelines, 2015. Collection method: clinical testing. Allele origin: germline.

NM_024408.4(NOTCH2):c.5925C>G (p.Asp1975Glu)

Gene: NOTCH2 (notch receptor 2; minus strand). Cytogenetic location: 1p12.
Variant type: single nucleotide variant.
Coding change: c.5925C>G on transcript NM_024408.4 (MANE Select); coding-DNA position 5925, C replaced by G.
Protein change: p.Asp1975Glu; replaces aspartic acid 1975 with glutamic acid.
Molecular consequence: missense variant.
Genome position (GRCh38, 1-based): chr1:119,918,410, G>C on the plus strand (C>G on the coding strand, the complement: NOTCH2 is on the minus strand). VCF-style: chr1-119918410-G-C. GRCh37 (hg19) VCF-style: chr1-120461033-G-C.
Other names: c.5925C>G (NM_024408.3); short protein forms D1975E.
Identifiers: ClinVar variation 3583101 (VCV003583101.2).